The following is an entry in ClinVar:

NM_000089.4(COL1A2):c.1376T>C (p.Ile459Thr)

Gene: COL1A2 (collagen type I alpha 2 chain; plus strand). Cytogenetic location: 7q21.3.
Variant type: single nucleotide variant.
Coding change: c.1376T>C on transcript NM_000089.4 (MANE Select); coding-DNA position 1376, T replaced by C.
Protein change: p.Ile459Thr; replaces isoleucine 459 with threonine.
Molecular consequence: missense variant.
Genome position (GRCh38, 1-based): chr7:94,412,093, T>C. VCF-style: chr7-94412093-T-C. GRCh37 (hg19) VCF-style: chr7-94041405-T-C.
Other names: short protein forms I459T.
Identifiers: ClinVar variation 1702734 (VCV001702734.7), dbSNP rs2115902728, ClinGen allele CA368221729.
Genomic context (GRCh38, chr7:94,412,093, plus strand): 5'-GTGCCAATATAAAAACATCCTCATTTATTTTATAGGGTCTTCCTGGTTCCCCTGGAAATA[T>C]CGGCCCCGCTGGAAAAGAAGGTCCTGTCGTAAGTATTGCTCATTTTCCATTATATTTTCA-3'
Protein context (NP_000080.2, residues 449-469): PRGLPGSPGN[Ile459Thr]GPAGKEGPVG

ClinVar aggregate classification (germline): Uncertain significance. Review status: criteria provided, multiple submitters, no conflicts (2 of 4 stars). 2 submissions from 2 submitters: Uncertain significance (2). Last evaluated 2022-02-17.

Conditions:
Ehlers-Danlos syndrome, classic type, 1 (EDSCL1). Also called: EDS I; Ehlers-Danlos syndrome, type 1; EHLERS-DANLOS SYNDROME, GRAVIS TYPE; EHLERS-DANLOS SYNDROME, SEVERE CLASSIC TYPE; Ehlers-Danlos Syndrome, Classic Type, COL5A1-Related. Identifiers: MedGen C0268335, MONDO:0019567, OMIM 130000.
Osteogenesis imperfecta type I (OI1). Also called: Osteogenesis imperfecta type 1; Lobstein's Disease; OI, TYPE I; OSTEOGENESIS IMPERFECTA TARDA; OSTEOGENESIS IMPERFECTA WITH BLUE SCLERAE; Lobstein disease. Identifiers: Orphanet 216796, Orphanet 666, MedGen C0023931, MONDO:0008146, OMIM 166200. Disease mechanism: loss of function.

Allele frequency attached by ClinVar (database versions not stated): gnomAD exomes below 0.00001.
gnomAD v4.1: 2 of 1,613,010 alleles (0.00012%); highest among the groups gnomAD compares: Non-Finnish European, 0.00017%; no homozygotes.

Submissions (2):

GeneDx
Classification: Uncertain significance. Last evaluated: 2022-02-17. Review status: criteria provided, single submitter. Criteria: GeneDx Variant Classification Process June 2021. Collection method: clinical testing. Allele origin: germline. Affected: yes.
Comment: Has not been previously published as pathogenic or benign to our knowledge; Not observed at significant frequency in large population cohorts (gnomAD); In silico analysis supports that this missense variant does not alter protein structure/function; Occurs in the triple helical domain at the Y position in the canonical Gly-X-Y repeat; although this variant may have an effect on normal protein folding and function, missense substitution at the Y position is not a common mechanism of disease (Stenson et al., 2014)

Labcorp Genetics (formerly Invitae), Labcorp
Classification: Uncertain significance for Osteogenesis imperfecta type I; Ehlers-Danlos syndrome, classic type, 1. Last evaluated: 2022-01-17. Review status: criteria provided, single submitter. Criteria: Invitae Variant Classification Sherloc (09022015). Collection method: clinical testing. Allele origin: germline.
Comment: This sequence change replaces isoleucine, which is neutral and non-polar, with threonine, which is neutral and polar, at codon 459 of the COL1A2 protein (p.Ile459Thr). This variant is not present in population databases (gnomAD no frequency). In summary, the available evidence is currently insufficient to determine the role of this variant in disease. Therefore, it has been classified as a Variant of Uncertain Significance. Advanced modeling of protein sequence and biophysical properties (such as structural, functional, and spatial information, amino acid conservation, physicochemical variation, residue mobility, and thermodynamic stability) performed at Invitae indicates that this missense variant is not expected to disrupt COL1A2 protein function. This variant has not been reported in the literature in individuals affected with COL1A2-related conditions.